The following is an entry in ClinVar:

NM_000138.5(FBN1):c.6997+5G>T

Gene: FBN1 (fibrillin 1; minus strand). Cytogenetic location: 15q21.1.
Variant type: single nucleotide variant.
Coding change: c.6997+5G>T on transcript NM_000138.5 (MANE Select); 5 bases into the intron after coding-DNA position 6997, G replaced by T.
Molecular consequence: intron variant.
Genome position (GRCh38, 1-based): chr15:48,428,341, C>A on the plus strand (G>T on the coding strand, the complement: FBN1 is on the minus strand). VCF-style: chr15-48428341-C-A. GRCh37 (hg19) VCF-style: chr15-48720538-C-A.
Identifiers: ClinVar variation 954654 (VCV000954654.10), dbSNP rs2042997205, ClinGen allele CA1139663926.
Genomic context (GRCh38, chr15:48,428,341, plus strand): 5'-TCTGGGTTTCCAGCATCCCAGTGTGGAGGCTGAGGTTAGGAAAGTGCGGTGCCAACTGTA[C>A]TCACCAAGGCACTCGTCCTGGTTGGGGCTGGCGGTAAACCCATCATTACACTCACAGGTG-3'

ClinVar aggregate classification (germline): Uncertain significance. Review status: criteria provided, multiple submitters, no conflicts (2 of 4 stars). 2 submissions from 2 submitters: Uncertain significance (2). Last evaluated 2024-08-20.

Conditions:
Marfan syndrome (MFS). Also called: FBN1-Related Marfan Syndrome; MARFAN SYNDROME, TYPE I; Marfan syndrome type 1; Marfan's syndrome; Marfan syndrome, classic. Identifiers: Orphanet 284963, Orphanet 558, MedGen C0024796, MONDO:0007947, OMIM 154700.
Familial thoracic aortic aneurysm and aortic dissection (TAAD). Also called: Thoracic aortic aneurysms and dissections. Identifiers: Orphanet 91387, MedGen C4707243, MONDO:0019625.

Submissions (2):

Ambry Genetics
Classification: Uncertain significance for Familial thoracic aortic aneurysm and aortic dissection. Last evaluated: 2024-08-20. Review status: criteria provided, single submitter. Criteria: Ambry Variant Classification Scheme 2023. Collection method: clinical testing. Allele origin: germline.
Comment: The c.6997+5G>T intronic variant results from a G to T substitution 5 nucleotides after coding exon 56 in the FBN1 gene. This nucleotide position is well conserved in available vertebrate species. In silico splice site analysis predicts that this alteration will weaken the native splice donor site. Based on the available evidence, the clinical significance of this variant remains unclear.

Labcorp Genetics (formerly Invitae), Labcorp
Classification: Uncertain significance for Marfan syndrome; Familial thoracic aortic aneurysm and aortic dissection. Last evaluated: 2019-10-03. Review status: criteria provided, single submitter. Criteria: Invitae Variant Classification Sherloc (09022015). Collection method: clinical testing. Allele origin: germline.
Comment: In summary, the available evidence is currently insufficient to determine the role of this variant in disease. Therefore, it has been classified as a Variant of Uncertain Significance. Nucleotide substitutions within the consensus splice site are a relatively common cause of aberrant splicing (PMID: 17576681, 9536098). Algorithms developed to predict the effect of sequence changes on RNA splicing suggest that this variant may disrupt the consensus splice site, but this prediction has not been confirmed by published transcriptional studies. This variant is not present in population databases (ExAC no frequency). This sequence change falls in intron 57 of the FBN1 gene. It does not directly change the encoded amino acid sequence of the FBN1 protein, but it affects a nucleotide within the consensus splice site of the intron.

Literature cited by the submitters: PubMed 17576681 (cited by Labcorp Genetics (formerly Invitae), Labcorp); PubMed 9536098 (cited by Labcorp Genetics (formerly Invitae), Labcorp).